The following is an entry in ClinVar:

NM_001329.4(CTBP2):c.849A>G (p.Gln283=)

Gene: CTBP2 (C-terminal binding protein 2; minus strand). Cytogenetic location: 10q26.13.
Variant type: single nucleotide variant.
Coding change: c.849A>G on transcript NM_001329.4 (MANE Select); coding-DNA position 849, A replaced by G.
Protein change: p.Gln283=; no amino-acid change (glutamine 283 retained).
Molecular consequence: synonymous variant.
Genome position (GRCh38, 1-based): chr10:124,993,917, T>C on the plus strand (A>G on the coding strand, the complement: CTBP2 is on the minus strand). VCF-style: chr10-124993917-T-C. GRCh37 (hg19) VCF-style: chr10-126682486-T-C.
Other names: c.849A>G, p.Gln283= (NM_001083914.3, NM_001290214.3, NM_001290215.3 and 3 more transcripts); c.1053A>G, p.Gln351= (NM_001363508.2); c.2469A>G, p.Gln823= (NM_022802.3).
Identifiers: ClinVar variation 2640949 (VCV002640949.24), dbSNP rs76949963, ClinGen allele CA5735763.

ClinVar aggregate classification (germline): Likely benign (1 of 4 stars; one submission).

Allele frequency attached by ClinVar (database versions not stated): ExAC 0.00006.

Submission:

CeGaT Center for Human Genetics Tuebingen
Classification: Likely benign. Last evaluated: 2023-09-01. Review status: criteria provided, single submitter. Criteria: CeGaT Center For Human Genetics Tuebingen Variant Classification Criteria Version 2. Collection method: clinical testing. Allele origin: germline. Affected: yes. Observed: 1 variant allele.
Comment: CTBP2: BP4, BP7